The following is an entry in ClinVar:

ClinVar aggregate classification (germline): Pathogenic (1 of 4 stars; one submission).

Submission:

Labcorp Genetics (formerly Invitae), Labcorp
Classification: Pathogenic. Last evaluated: 2023-04-24. Review status: criteria provided, single submitter. Criteria: Invitae Variant Classification Sherloc (09022015). Collection method: clinical testing. Allele origin: germline.
Comment: For these reasons, this variant has been classified as Pathogenic. This variant has not been reported in the literature in individuals affected with MOCS2B-related conditions. This variant is not present in population databases (gnomAD no frequency). This sequence change creates a premature translational stop signal (p.Asp45Valfs*3) in the MOCS2B gene. It is expected to result in an absent or disrupted protein product. Loss-of-function variants in MOCS2B are known to be pathogenic (PMID: 21031595).

Literature cited by the submitters: PubMed 21031595.

NM_004531.5(MOCS2):c.134del (p.Asp45fs)

Gene: MOCS2 (molybdenum cofactor synthesis 2; minus strand). Cytogenetic location: 5q11.2.
Variant type: Deletion.
Coding change: c.134del on transcript NM_004531.5 (MANE Select); coding-DNA position 134, one base deleted (A; older notation c.134delA).
Protein change: p.Asp45fs; shifts the reading frame from aspartic acid 45.
Molecular consequence: frameshift variant. On other transcripts: 3 prime UTR variant (1).
Genome position (GRCh38, 1-based): chr5:53,102,189, T deleted on the plus strand (A on the coding strand, the reverse complement: MOCS2 is on the minus strand). VCF-style (leftmost placement, unchanged base first): chr5-53102188-AT-A. GRCh37 (hg19) VCF-style: chr5-52398018-AT-A.
Other names: c.*54del (NM_176806.4); c.134delA, p.Asp45Valfs (NM_183418.1); short protein forms D45fs.
Identifiers: ClinVar variation 2858763 (VCV002858763.3), dbSNP rs2478601638, ClinGen allele CA2739274714.